The following is an entry in ClinVar:

NM_000548.5(TSC2):c.364C>T (p.Leu122Phe)

Gene: TSC2 (TSC complex subunit 2; plus strand). Cytogenetic location: 16p13.3.
Variant type: single nucleotide variant.
Coding change: c.364C>T on transcript NM_000548.5 (MANE Select); coding-DNA position 364, C replaced by T.
Protein change: p.Leu122Phe; replaces leucine 122 with phenylalanine.
Molecular consequence: missense variant. On other transcripts: intron variant (1).
Genome position (GRCh38, 1-based): chr16:2,054,323, C>T. VCF-style: chr16-2054323-C-T. GRCh37 (hg19) VCF-style: chr16-2104324-C-T.
Other names: c.364C>T, p.Leu122Phe (NM_001077183.3, NM_001114382.3, NM_001363528.2 and 3 more transcripts); c.253C>T, p.Leu85Phe (NM_001318827.2); c.217C>T, p.Leu73Phe (NM_001318829.2); c.397C>T, p.Leu133Phe (NM_001318832.2); c.-1-1873C>T (NM_001318831.2); short protein forms L73F, L122F, L133F, L85F.
Identifiers: ClinVar variation 663246 (VCV000663246.10), dbSNP rs1175373447, ClinGen allele CA394306653.

ClinVar aggregate classification (germline): Conflicting classifications of pathogenicity. Review status: criteria provided, conflicting classifications (1 of 4 stars). 2 submissions from 2 submitters: Uncertain significance (1); Benign (1). Last evaluated 2026-01-19.

Conditions:
Tuberous sclerosis 2 (TSC2). Identifiers: Orphanet 805, MedGen C1860707, MONDO:0013199, OMIM 613254.
Hereditary cancer-predisposing syndrome. Also called: Neoplastic Syndromes, Hereditary; Hereditary neoplastic syndrome; Tumor predisposition; Hereditary Cancer Syndrome. Identifiers: Orphanet 140162, MedGen C0027672, MeSH D009386, MONDO:0015356.

Allele frequency attached by ClinVar (database versions not stated): gnomAD exomes below 0.00001; gnomAD 0.00001.
gnomAD v4.1: 2 of 1,614,074 alleles (0.00012%); highest among the groups gnomAD compares: South Asian, 0.0011%; no homozygotes.

Submissions (2):

Labcorp Genetics (formerly Invitae), Labcorp
Classification: Benign for Tuberous sclerosis 2. Last evaluated: 2026-01-19. Review status: criteria provided, single submitter. Criteria: Invitae Variant Classification Sherloc (09022015). Collection method: clinical testing. Allele origin: germline.

Ambry Genetics
Classification: Uncertain significance for Hereditary cancer-predisposing syndrome. Last evaluated: 2025-03-24. Review status: criteria provided, single submitter. Criteria: Ambry Variant Classification Scheme 2023. Collection method: clinical testing. Allele origin: germline.
Comment: The p.L122F variant (also known as c.364C>T), located in coding exon 4 of the TSC2 gene, results from a C to T substitution at nucleotide position 364. The leucine at codon 122 is replaced by phenylalanine, an amino acid with highly similar properties. This amino acid position is not well conserved in available vertebrate species. In addition, the in silico prediction for this alteration is inconclusive. Based on the available evidence, the clinical significance of this variant remains unclear.